The following is an entry in ClinVar:

ClinVar aggregate classification (germline): Uncertain significance (1 of 4 stars; one submission).

gnomAD v4.1: 32 of 1,613,852 alleles (0.002%); highest among the groups gnomAD compares: Non-Finnish European, 0.0025%; no homozygotes.

Submission:

Labcorp Genetics (formerly Invitae), Labcorp
Classification: Uncertain significance. Last evaluated: 2026-01-21. Review status: criteria provided, single submitter. Criteria: Invitae Variant Classification Sherloc (09022015). Collection method: clinical testing. Allele origin: germline.
Comment: This sequence change replaces valine, which is neutral and non-polar, with isoleucine, which is neutral and non-polar, at codon 326 of the NACC1 protein (p.Val326Ile). This variant is present in population databases (rs759122043, gnomAD 0.003%). This variant has not been reported in the literature in individuals affected with NACC1-related conditions. Invitae Evidence Modeling of protein sequence and biophysical properties (such as structural, functional, and spatial information, amino acid conservation, physicochemical variation, residue mobility, and thermodynamic stability) indicates that this missense variant is not expected to disrupt NACC1 protein function with a negative predictive value of 80%. In summary, the available evidence is currently insufficient to determine the role of this variant in disease. Therefore, it has been classified as a Variant of Uncertain Significance.

NM_052876.4(NACC1):c.976G>A (p.Val326Ile)

Gene: NACC1 (nucleus accumbens associated 1; plus strand). Cytogenetic location: 19p13.13.
Variant type: single nucleotide variant.
Coding change: c.976G>A on transcript NM_052876.4 (MANE Select); coding-DNA position 976, G replaced by A.
Protein change: p.Val326Ile; replaces valine 326 with isoleucine.
Molecular consequence: missense variant.
Genome position (GRCh38, 1-based): chr19:13,136,261, G>A. VCF-style: chr19-13136261-G-A. GRCh37 (hg19) VCF-style: chr19-13247075-G-A.
Other names: short protein forms V326I.
Identifiers: ClinVar variation 4750865 (VCV004750865.1).